The following is an entry in ClinVar:

NM_015046.7(SETX):c.6106+14G>A

Gene: SETX (senataxin; minus strand). Cytogenetic location: 9q34.13.
Variant type: single nucleotide variant.
Coding change: c.6106+14G>A on transcript NM_015046.7 (MANE Select); 14 bases into the intron after coding-DNA position 6106, G replaced by A.
Molecular consequence: intron variant.
Genome position (GRCh38, 1-based): chr9:132,295,858, C>T on the plus strand (G>A on the coding strand, the complement: SETX is on the minus strand). VCF-style: chr9-132295858-C-T. GRCh37 (hg19) VCF-style: chr9-135171245-C-T.
Other names: c.6106+14G>A (NM_001351528.2, NM_001351527.2).
Identifiers: ClinVar variation 260510 (VCV000260510.66), dbSNP rs73661157, ClinGen allele CA5296837.

ClinVar aggregate classification (germline): Benign/Likely benign. Review status: criteria provided, multiple submitters, no conflicts (2 of 4 stars). 14 submissions from 12 submitters: Benign (7); Likely benign (3). 4 of the submissions do not count toward it. Last evaluated 2026-02-03.

Conditions:
Spinocerebellar ataxia, autosomal recessive, with axonal neuropathy 2 (SCAN2). Also called: ATAXIA-OCULOMOTOR APRAXIA 2; Ataxia with Oculomotor Apraxia Type 2; Ataxia-ocular apraxia-2; Ataxia with Oculomotor Apraxia. Identifiers: Orphanet 64753, MedGen C1853761, MONDO:0018996, OMIM 606002.
Amyotrophic lateral sclerosis type 4 (ALS4). Also called: NEURONOPATHY, DISTAL HEREDITARY MOTOR, WITH PYRAMIDAL FEATURES; AMYOTROPHIC LATERAL SCLEROSIS 4, JUVENILE. Identifiers: Orphanet 357043, MedGen C1865409, MONDO:0011223, OMIM 602433.

Allele frequency attached by ClinVar (database versions not stated): gnomAD exomes 0.01491; 1000 Genomes Project 0.01577; 1000 Genomes Project 30x 0.01577; TOPMed 0.01629; ESP Exome Variant Server 0.01715; gnomAD 0.01807 and 0.01840; ExAC 0.02054.
gnomAD v4.1: 23,485 of 1,609,814 alleles (1.5%); highest among the groups gnomAD compares: African/African-American, 2.5%; 206 homozygotes.

Submissions (14):

Labcorp Genetics (formerly Invitae), Labcorp
Classification: Benign for Amyotrophic lateral sclerosis type 4; Spinocerebellar ataxia, autosomal recessive, with axonal neuropathy 2. Last evaluated: 2026-02-03. Review status: criteria provided, single submitter. Criteria: Invitae Variant Classification Sherloc (09022015). Collection method: clinical testing. Allele origin: germline.

ARUP Laboratories, Molecular Genetics and Genomics, ARUP Laboratories
Classification: Benign. Last evaluated: 2025-05-22. Review status: criteria provided, single submitter. Criteria: ARUP Molecular Germline Variant Investigation Process 2024. Collection method: clinical testing. Allele origin: germline.

Blueprint Genetics
Classification: Likely benign. Last evaluated: 2024-11-26. Review status: criteria provided, single submitter. Criteria: ACMG Guidelines, 2015. Collection method: clinical testing. Allele origin: germline.

Genome-Nilou Lab
Classification: Benign for Spinocerebellar ataxia, autosomal recessive, with axonal neuropathy 2. Last evaluated: 2023-02-08. Review status: criteria provided, single submitter. Criteria: ACMG Guidelines, 2015. Collection method: clinical testing. Allele origin: germline.

Genome-Nilou Lab
Classification: Benign for Amyotrophic lateral sclerosis type 4. Last evaluated: 2023-02-08. Review status: criteria provided, single submitter. Criteria: ACMG Guidelines, 2015. Collection method: clinical testing. Allele origin: germline.

GeneDx
Classification: Likely benign. Last evaluated: 2018-08-14. Review status: criteria provided, single submitter. Criteria: GeneDx Variant Classification Process June 2021. Collection method: clinical testing. Allele origin: germline. Affected: yes.

Illumina Laboratory Services, Illumina
Classification: Benign for Amyotrophic lateral sclerosis type 4. Last evaluated: 2018-01-13. Review status: criteria provided, single submitter. Criteria: ICSL Variant Classification Criteria 13 December 2019. Collection method: clinical testing. Allele origin: germline.
Comment: This variant was observed in the ICSL laboratory as part of a predisposition screen in an ostensibly healthy population. It had not been previously curated by ICSL or reported in the Human Gene Mutation Database (HGMD: prior to June 1st, 2018), and was therefore a candidate for classification through an automated scoring system. Utilizing variant allele frequency, disease prevalence and penetrance estimates, and inheritance mode, an automated score was calculated to assess if this variant is too frequent to cause the disease. Based on the score and internal cut-off values, a variant classified as benign is not then subjected to further curation. The score for this variant resulted in a classification of benign for this disease.

Illumina Laboratory Services, Illumina
Classification: Benign for Spinocerebellar ataxia, autosomal recessive, with axonal neuropathy 2. Last evaluated: 2018-01-13. Review status: criteria provided, single submitter. Criteria: ICSL Variant Classification Criteria 13 December 2019. Collection method: clinical testing. Allele origin: germline.
Comment: the same text as in the submission from Illumina Laboratory Services, Illumina above.

Breakthrough Genomics
Classification: Likely benign. Review status: criteria provided, single submitter. Criteria: ACMG Guidelines, 2015. Collection method: not provided. Allele origin: germline. Inheritance: Autosomal recessive inheritance. Affected: yes.

PreventionGenetics, part of Exact Sciences
Classification: Benign. Review status: criteria provided, single submitter. Criteria: ACMG Guidelines, 2015. Collection method: clinical testing. Allele origin: germline.

Clinical Genetics DNA and cytogenetics Diagnostics Lab, Erasmus MC, Erasmus Medical Center
Classification: Benign. Review status: no assertion criteria provided. Collection method: clinical testing. Allele origin: germline. Affected: yes. Study: VKGL Data-share Consensus. Not counted in ClinVar's aggregate classification.

Clinical Genetics, Academic Medical Center
Classification: Benign. Review status: no assertion criteria provided. Collection method: clinical testing. Allele origin: germline. Affected: yes. Study: VKGL Data-share Consensus. Not counted in ClinVar's aggregate classification.

Genome Diagnostics Laboratory, Amsterdam University Medical Center
Classification: Benign. Review status: no assertion criteria provided. Collection method: clinical testing. Allele origin: germline. Affected: yes. Study: VKGL Data-share Consensus. Not counted in ClinVar's aggregate classification.

Genome Diagnostics Laboratory, University Medical Center Utrecht
Classification: Benign. Review status: no assertion criteria provided. Collection method: clinical testing. Allele origin: germline. Affected: yes. Study: VKGL Data-share Consensus. Not counted in ClinVar's aggregate classification.